The following is an entry in ClinVar:

NM_001042724.2(NECTIN2):c.516G>A (p.Thr172=)

Gene: NECTIN2 (nectin cell adhesion molecule 2; plus strand). Cytogenetic location: 19q13.32.
Variant type: single nucleotide variant.
Coding change: c.516G>A on transcript NM_001042724.2 (MANE Select); coding-DNA position 516, G replaced by A.
Protein change: p.Thr172=; no amino-acid change (threonine 172 retained).
Molecular consequence: synonymous variant.
Genome position (GRCh38, 1-based): chr19:44,871,890, G>A. VCF-style: chr19-44871890-G-A. GRCh37 (hg19) VCF-style: chr19-45375147-G-A.
Other names: c.516G>A, p.Thr172= (NM_002856.3).
Identifiers: ClinVar variation 3041928 (VCV003041928.2), dbSNP rs145915904, ClinGen allele CA9505133.

ClinVar aggregate classification (germline): Benign (0 of 4 stars; one submission).

Conditions:
NECTIN2-related disorder. Also called: NECTIN2-related condition.

Allele frequency attached by ClinVar (database versions not stated): 1000 Genomes Project 0.00040; 1000 Genomes Project 30x 0.00062; gnomAD 0.00195; ESP Exome Variant Server 0.00261.
gnomAD v4.1: 640 of 1,614,040 alleles (0.04%); highest among the groups gnomAD compares: African/African-American, 0.69%; no homozygotes.

Submission:

PreventionGenetics, part of Exact Sciences
Classification: Benign for NECTIN2-related condition. Last evaluated: 2019-10-28. Review status: no assertion criteria provided. Collection method: clinical testing. Allele origin: germline.
Comment: This variant is classified as benign based on ACMG/AMP sequence variant interpretation guidelines (Richards et al. 2015 PMID: 25741868, with internal and published modifications).